The following is an entry in ClinVar:

ClinVar aggregate classification (germline): Uncertain significance (1 of 4 stars; one submission).

Submission:

Women's Health and Genetics/Laboratory Corporation of America, LabCorp
Classification: Uncertain significance. Last evaluated: 2023-11-28. Review status: criteria provided, single submitter. Criteria: LabCorp Variant Classification Summary - May 2015. Collection method: clinical testing. Allele origin: germline.
Comment: Variant summary: The variant involves the duplication of exons 1-10 in the GNB4 gene. A presumed nomenclature of c.(?_-168)_(*5126_?)dup has been designated for the purposes of this classification. This duplication includes the entire coding sequence of the gene. As exact breakpoints are unknown, it may extend beyond the annotated region of the gene, to include other flanking genes. The variant was absent in 21694 control chromosomes (gnomAD Structural Variants v2.1 dataset). The available data on variant occurrences in the general population are insufficient to allow any conclusion about variant significance. To our knowledge, no occurrence of c.(?_-168)_(*5126_?)dup in individuals affected with Charcot-Marie Disease Dominant Intermediate F and no experimental evidence demonstrating its impact on protein function have been reported. One submitter has reported clinical-significance assessments for this variant to ClinVar after 2014 and has classified the variant as uncertain significance. Based on the evidence outlined above, the variant was classified as uncertain significance.

NC_000003.11:g.(?_179113875)_(179169259_?)dup

Gene: GNB4 (G protein subunit beta 4; minus strand). Cytogenetic location: 3q26.33.
Variant type: Duplication.
Identifiers: ClinVar variation 2682293 (VCV002682293.1).